The following is an entry in ClinVar:

ClinVar aggregate classification (germline): Uncertain significance. Review status: criteria provided, multiple submitters, no conflicts (2 of 4 stars). 3 submissions from 3 submitters: Uncertain significance (3). Last evaluated 2025-06-10.

Conditions:
Inborn genetic diseases. Identifiers: MedGen C0950123, MeSH D030342.
Congenital myasthenic syndrome 2A. Also called: Myasthenic syndrome, congenital, 2a, slow-channel. Identifiers: Orphanet 590, MedGen C4225374, MONDO:0014581, OMIM 616313.

Allele frequency attached by ClinVar (database versions not stated): gnomAD 0.00006.
gnomAD v4.1: 17 of 1,614,000 alleles (0.0011%); highest among the groups gnomAD compares: African/African-American, 0.021%; 1 homozygote.

Submissions (3):

Labcorp Genetics (formerly Invitae), Labcorp
Classification: Uncertain significance for Congenital myasthenic syndrome 2A. Last evaluated: 2025-06-10. Review status: criteria provided, single submitter. Criteria: Invitae Variant Classification Sherloc (09022015). Collection method: clinical testing. Allele origin: germline.
Comment: This sequence change replaces arginine, which is basic and polar, with serine, which is neutral and polar, at codon 232 of the CHRNB1 protein (p.Arg232Ser). This variant is present in population databases (rs751294067, gnomAD 0.03%). This variant has not been reported in the literature in individuals affected with CHRNB1-related conditions. ClinVar contains an entry for this variant (Variation ID: 1055622). Invitae Evidence Modeling of protein sequence and biophysical properties (such as structural, functional, and spatial information, amino acid conservation, physicochemical variation, residue mobility, and thermodynamic stability) indicates that this missense variant is not expected to disrupt CHRNB1 protein function with a negative predictive value of 80%. In summary, the available evidence is currently insufficient to determine the role of this variant in disease. Therefore, it has been classified as a Variant of Uncertain Significance.

Ambry Genetics
Classification: Uncertain significance for Inborn genetic diseases. Last evaluated: 2021-07-21. Review status: criteria provided, single submitter. Criteria: Ambry Variant Classification Scheme 2023. Collection method: clinical testing. Allele origin: germline.

Revvity Omics, Revvity
Classification: Uncertain significance. Last evaluated: 2019-06-05. Review status: criteria provided, single submitter. Criteria: ACMG Guidelines, 2015. Collection method: clinical testing. Allele origin: germline.

NM_000747.3(CHRNB1):c.694C>A (p.Arg232Ser)

Gene: CHRNB1 (cholinergic receptor nicotinic beta 1 subunit; plus strand). Cytogenetic location: 17p13.1.
Variant type: single nucleotide variant.
Coding change: c.694C>A on transcript NM_000747.3 (MANE Select); coding-DNA position 694, C replaced by A.
Protein change: p.Arg232Ser; replaces arginine 232 with serine.
Molecular consequence: missense variant.
Genome position (GRCh38, 1-based): chr17:7,448,662, C>A. VCF-style: chr17-7448662-C-A. GRCh37 (hg19) VCF-style: chr17-7351981-C-A.
Other names: c.694C>A (NM_000747.2); short protein forms R232S.
Identifiers: ClinVar variation 1055622 (VCV001055622.12), dbSNP rs751294067, ClinGen allele CA8347860.